The following is an entry in ClinVar:

NM_001323289.2(CDKL5):c.2354A>C (p.Lys785Thr)

Gene: CDKL5 (cyclin dependent kinase like 5; plus strand). Cytogenetic location: Xp22.13.
Variant type: single nucleotide variant.
Coding change: c.2354A>C on transcript NM_001323289.2 (MANE Select); coding-DNA position 2354, A replaced by C.
Protein change: p.Lys785Thr; replaces lysine 785 with threonine.
Molecular consequence: missense variant.
Genome position (GRCh38, 1-based): chrX:18,619,944, A>C. VCF-style: chrX-18619944-A-C. GRCh37 (hg19) VCF-style: chrX-18638064-A-C.
Other names: c.2354A>C, p.Lys785Thr (NM_001037343.2, NM_003159.3); short protein forms K785T.
Identifiers: ClinVar variation 2005369 (VCV002005369.4), dbSNP rs2518890565, ClinGen allele CA412363831.
Genomic context (GRCh38, chrX:18,619,944, plus strand): 5'-TTAGTCATTCAGAGCAACTCAAGGAAAAAGAGAAGCAAGGATTTTTCAGGTCAATGAAAA[A>C]GAAAAAGAAGAAATCTCAAACAGTAAGTAGATGACCAGTTTCTATATATAATAACATGTT-3'
Protein context (NP_001310218.1, residues 775-795): EKQGFFRSMK[Lys785Thr]KKKKSQTVPN

ClinVar aggregate classification (germline): Uncertain significance (1 of 4 stars; one submission).

Conditions:
Developmental and epileptic encephalopathy, 2 (DEE2). Also called: INFANTILE SPASM SYNDROME, X-LINKED 2; CDKL5 deficiency disorder. Identifiers: Orphanet 1934, Orphanet 3451, Orphanet 505652, MedGen C4750718, MONDO:0010396, OMIM 300672.
Angelman syndrome-like. Identifiers: MedGen CN128785.

Submission:

Labcorp Genetics (formerly Invitae), Labcorp
Classification: Uncertain significance for Developmental and epileptic encephalopathy, 2; Angelman syndrome-like. Last evaluated: 2022-06-15. Review status: criteria provided, single submitter. Criteria: Invitae Variant Classification Sherloc (09022015). Collection method: clinical testing. Allele origin: germline.
Comment: This sequence change replaces lysine, which is basic and polar, with threonine, which is neutral and polar, at codon 785 of the CDKL5 protein (p.Lys785Thr). Advanced modeling of protein sequence and biophysical properties (such as structural, functional, and spatial information, amino acid conservation, physicochemical variation, residue mobility, and thermodynamic stability) performed at Invitae indicates that this missense variant is not expected to disrupt CDKL5 protein function. This variant is not present in population databases (gnomAD no frequency). This variant has not been reported in the literature in individuals affected with CDKL5-related conditions. In summary, the available evidence is currently insufficient to determine the role of this variant in disease. Therefore, it has been classified as a Variant of Uncertain Significance.